The following is an entry in ClinVar:

ClinVar aggregate classification (germline): Uncertain significance (1 of 4 stars; one submission).

Allele frequency attached by ClinVar (database versions not stated): gnomAD exomes below 0.00001 and 0.00001; ExAC 0.00002.
gnomAD v4.1: 2 of 1,612,458 alleles (0.00012%); highest among the groups gnomAD compares: Non-Finnish European, 0.00017%; no homozygotes.

Submission:

Labcorp Genetics (formerly Invitae), Labcorp
Classification: Uncertain significance. Last evaluated: 2021-05-31. Review status: criteria provided, single submitter. Criteria: Invitae Variant Classification Sherloc (09022015). Collection method: clinical testing. Allele origin: germline.
Comment: This sequence change replaces leucine with isoleucine at codon 189 of the MPDZ protein (p.Leu189Ile). The leucine residue is highly conserved and there is a small physicochemical difference between leucine and isoleucine. This variant is present in population databases (rs771293783, ExAC 0.003%). In summary, the available evidence is currently insufficient to determine the role of this variant in disease. Therefore, it has been classified as a Variant of Uncertain Significance. Algorithms developed to predict the effect of missense changes on protein structure and function are either unavailable or do not agree on the potential impact of this missense change (SIFT: "Deleterious"; PolyPhen-2: "Probably Damaging"; Align-GVGD: "Class C0"). This variant has not been reported in the literature in individuals with MPDZ-related conditions.

NM_001378778.1(MPDZ):c.565C>A (p.Leu189Ile)

Gene: MPDZ (multiple PDZ domain crumbs cell polarity complex component; minus strand). Cytogenetic location: 9p23.
Variant type: single nucleotide variant.
Coding change: c.565C>A on transcript NM_001378778.1 (MANE Select); coding-DNA position 565, C replaced by A.
Protein change: p.Leu189Ile; replaces leucine 189 with isoleucine.
Molecular consequence: missense variant.
Genome position (GRCh38, 1-based): chr9:13,222,415, G>T on the plus strand (C>A on the coding strand, the complement: MPDZ is on the minus strand). VCF-style: chr9-13222415-G-T. GRCh37 (hg19) VCF-style: chr9-13222414-G-T.
Other names: c.565C>A, p.Leu189Ile (NM_001375420.1, NM_001375421.1, NM_001375422.1 and 14 more transcripts); short protein forms L189I.
Identifiers: ClinVar variation 1509607 (VCV001509607.8), dbSNP rs771293783, ClinGen allele CA4988070.